The following is an entry in ClinVar:

NM_022089.4(ATP13A2):c.1795G>A (p.Val599Ile)

Gene: ATP13A2 (ATPase cation transporting 13A2; minus strand). Cytogenetic location: 1p36.13.
Variant type: single nucleotide variant.
Coding change: c.1795G>A on transcript NM_022089.4 (MANE Select); coding-DNA position 1795, G replaced by A.
Protein change: p.Val599Ile; replaces valine 599 with isoleucine.
Molecular consequence: missense variant.
Genome position (GRCh38, 1-based): chr1:16,992,536, C>T on the plus strand (G>A on the coding strand, the complement: ATP13A2 is on the minus strand). VCF-style: chr1-16992536-C-T. GRCh37 (hg19) VCF-style: chr1-17319031-C-T.
Other names: c.1780G>A, p.Val594Ile (NM_001141973.3, NM_001141974.3); short protein forms V599I, V594I.
Identifiers: ClinVar variation 1513126 (VCV001513126.6), dbSNP rs764411847, ClinGen allele CA338246958.

ClinVar aggregate classification (germline): Uncertain significance (1 of 4 stars; one submission).

Conditions:
Kufor-Rakeb syndrome (KRS). Also called: PARKINSON DISEASE 9, AUTOSOMAL RECESSIVE, JUVENILE-ONSET. Identifiers: Orphanet 306674, Orphanet 314632, MedGen C1847640, MONDO:0011706, OMIM 606693.
Autosomal recessive spastic paraplegia type 78. Identifiers: Orphanet 513436, MedGen C5567893, MONDO:0014975, OMIM 617225.

Submission:

Labcorp Genetics (formerly Invitae), Labcorp
Classification: Uncertain significance for Kufor-Rakeb syndrome; Autosomal recessive spastic paraplegia type 78. Last evaluated: 2021-11-07. Review status: criteria provided, single submitter. Criteria: Invitae Variant Classification Sherloc (09022015). Collection method: clinical testing. Allele origin: germline.
Comment: This variant is not present in population databases (gnomAD no frequency). This sequence change replaces valine, which is neutral and non-polar, with isoleucine, which is neutral and non-polar, at codon 599 of the ATP13A2 protein (p.Val599Ile). This variant has not been reported in the literature in individuals affected with ATP13A2-related conditions. In summary, the available evidence is currently insufficient to determine the role of this variant in disease. Therefore, it has been classified as a Variant of Uncertain Significance. Advanced modeling of protein sequence and biophysical properties (such as structural, functional, and spatial information, amino acid conservation, physicochemical variation, residue mobility, and thermodynamic stability) performed at Invitae indicates that this missense variant is not expected to disrupt ATP13A2 protein function.